The following is an entry in ClinVar:

ClinVar aggregate classification (germline): Uncertain significance (1 of 4 stars; one submission).

Conditions:
Cardiovascular phenotype. Identifiers: MedGen CN230736.

gnomAD v4.1: 1 of 1,614,066 alleles (0.000062%); highest among the groups gnomAD compares: Non-Finnish European, 0.000085%; no homozygotes.

Submission:

Ambry Genetics
Classification: Uncertain significance for Cardiovascular phenotype. Last evaluated: 2022-10-14. Review status: criteria provided, single submitter. Criteria: Ambry Variant Classification Scheme 2023. Collection method: clinical testing. Allele origin: germline.
Comment: The p.Q2672H variant (also known as c.8016G>C), located in coding exon 38 of the ANK2 gene, results from a G to C substitution at nucleotide position 8016. The glutamine at codon 2672 is replaced by histidine, an amino acid with highly similar properties. This amino acid position is conserved. In addition, this alteration is predicted to be tolerated by in silico analysis. Since supporting evidence is limited at this time, the clinical significance of this alteration remains unclear.

NM_001148.6(ANK2):c.8016G>C (p.Gln2672His)

Gene: ANK2 (ankyrin 2; plus strand). Cytogenetic location: 4q26.
Variant type: single nucleotide variant.
Coding change: c.8016G>C on transcript NM_001148.6 (MANE Select); coding-DNA position 8016, G replaced by C.
Protein change: p.Gln2672His; replaces glutamine 2672 with histidine.
Molecular consequence: missense variant. On other transcripts: intron variant (68).
Genome position (GRCh38, 1-based): chr4:113,356,634, G>C. VCF-style: chr4-113356634-G-C. GRCh37 (hg19) VCF-style: chr4-114277790-G-C.
Other names: c.7782G>C, p.Gln2594His (NM_001386142.1); c.4416G>C, p.Gln1472His (NM_001386166.1); c.8157G>C, p.Gln2719His (NM_001386174.1); c.8133G>C, p.Gln2711His (NM_001386175.1); c.4412-4189G>C (NM_001386186.2, NM_001386148.2); c.4214-4189G>C (NM_001354269.3); c.4292-4189G>C (NM_001386187.2); c.4253-4189G>C (NM_001386147.1); and 35 more; short protein forms Q2719H, Q2594H, Q2672H, Q2711H, Q1472H.
Identifiers: ClinVar variation 1761665 (VCV001761665.2), dbSNP rs1235099082, ClinGen allele CA357932861.